The following is an entry in ClinVar:

NM_000302.4(PLOD1):c.1329-20G>A

Gene: PLOD1 (procollagen-lysine,2-oxoglutarate 5-dioxygenase 1; plus strand). Cytogenetic location: 1p36.22.
Variant type: single nucleotide variant.
Coding change: c.1329-20G>A on transcript NM_000302.4 (MANE Select); 20 bases into the intron before coding-DNA position 1329, G replaced by A.
Molecular consequence: intron variant.
Genome position (GRCh38, 1-based): chr1:11,964,624, G>A. VCF-style: chr1-11964624-G-A. GRCh37 (hg19) VCF-style: chr1-12024681-G-A.
Other names: c.1470-20G>A (NM_001316320.2).
Identifiers: ClinVar variation 390201 (VCV000390201.26), dbSNP rs78527487, ClinGen allele CA598372.

ClinVar aggregate classification (germline): Benign/Likely benign. Review status: criteria provided, multiple submitters, no conflicts (2 of 4 stars). 6 submissions from 6 submitters: Benign (5); Likely benign (1). Last evaluated 2026-02-04.

Conditions:
Ehlers-Danlos syndrome, kyphoscoliotic type 1 (EDSKSCL1). Also called: Ehlers-Danlos syndrome, hydroxylysine-deficient; EHLERS-DANLOS SYNDROME, OCULAR-SCOLIOTIC TYPE; PLOD1-Related Kyphoscoliotic Ehlers-Danlos Syndrome; EHLERS-DANLOS SYNDROME, TYPE VIA. Identifiers: Orphanet 1900, MedGen C0268342, MONDO:0016002, OMIM 225400. Disease mechanism: loss of function.

Allele frequency attached by ClinVar (database versions not stated): gnomAD exomes 0.00241 and 0.00563; ExAC 0.00688; 1000 Genomes Project 0.02057; 1000 Genomes Project 30x 0.02217; TOPMed 0.02313; gnomAD 0.02338 and 0.02519; ESP Exome Variant Server 0.02579.
gnomAD v4.1: 6,534 of 1,477,440 alleles (0.44%); highest among the groups gnomAD compares: African/African-American, 8.1%; 185 homozygotes.

Submissions (6):

Labcorp Genetics (formerly Invitae), Labcorp
Classification: Benign for Ehlers-Danlos syndrome, kyphoscoliotic type 1. Last evaluated: 2026-02-04. Review status: criteria provided, single submitter. Criteria: Invitae Variant Classification Sherloc (09022015). Collection method: clinical testing. Allele origin: germline.

ARUP Laboratories, Molecular Genetics and Genomics, ARUP Laboratories
Classification: Benign for Ehlers-Danlos syndrome, kyphoscoliotic type 1. Last evaluated: 2025-06-25. Review status: criteria provided, single submitter. Criteria: ARUP Molecular Germline Variant Investigation Process 2024. Collection method: clinical testing. Allele origin: germline.

Blueprint Genetics
Classification: Likely benign. Last evaluated: 2024-11-21. Review status: criteria provided, single submitter. Criteria: ACMG Guidelines, 2015. Collection method: clinical testing. Allele origin: germline.

Women's Health and Genetics/Laboratory Corporation of America, LabCorp
Classification: Benign. Last evaluated: 2023-07-21. Review status: criteria provided, single submitter. Criteria: LabCorp Variant Classification Summary - May 2015. Collection method: clinical testing. Allele origin: germline.

GeneDx
Classification: Benign. Last evaluated: 2016-10-14. Review status: criteria provided, single submitter. Criteria: GeneDx Variant Classification (06012015). Collection method: clinical testing. Allele origin: germline. Affected: yes.
Comment: This variant is considered likely benign or benign based on one or more of the following criteria: it is a conservative change, it occurs at a poorly conserved position in the protein, it is predicted to be benign by multiple in silico algorithms, and/or has population frequency not consistent with disease.

Breakthrough Genomics
Classification: Benign. Review status: criteria provided, single submitter. Criteria: ACMG Guidelines, 2015. Collection method: not provided. Allele origin: germline. Inheritance: Autosomal recessive inheritance. Affected: yes.